The following is an entry in ClinVar:

NM_198904.4(GABRG2):c.691G>T (p.Asp231Tyr)

Gene: GABRG2 (gamma-aminobutyric acid type A receptor subunit gamma2; plus strand). Cytogenetic location: 5q34.
Variant type: single nucleotide variant.
Coding change: c.691G>T on transcript NM_198904.4 (MANE Select); coding-DNA position 691, G replaced by T.
Protein change: p.Asp231Tyr; replaces aspartic acid 231 with tyrosine.
Molecular consequence: missense variant.
Genome position (GRCh38, 1-based): chr5:162,103,948, G>T. VCF-style: chr5-162103948-G-T. GRCh37 (hg19) VCF-style: chr5-161530954-G-T.
Other names: c.691G>T, p.Asp231Tyr (NM_000816.3, NM_001375340.1, NM_001375341.1 and 2 more transcripts); c.682G>T, p.Asp228Tyr (NM_001375339.1); c.811G>T, p.Asp271Tyr (NM_001375343.1, NM_198903.2); c.625G>T, p.Asp209Tyr (NM_001375345.1, NM_001375346.1); c.604G>T, p.Asp202Tyr (NM_001375347.1); c.271G>T, p.Asp91Tyr (NM_001375348.1, NM_001375350.1); c.406G>T, p.Asp136Tyr (NM_001375349.1); short protein forms D209Y, D91Y, D136Y, D202Y, D228Y, D231Y, D271Y.
Identifiers: ClinVar variation 2953830 (VCV002953830.3), dbSNP rs773065895, ClinGen allele CA362185093.

ClinVar aggregate classification (germline): Uncertain significance (1 of 4 stars; one submission).

Conditions:
EPILEPSY, CHILDHOOD ABSENCE, SUSCEPTIBILITY TO, 2 (ECA2). Identifiers: Orphanet 64280, MedGen C1843244, OMIM 607681.
Febrile seizures, familial, 8 (FEB8). Also called: CONVULSIONS, FAMILIAL FEBRILE, 8. Identifiers: Orphanet 36387, MedGen C1969810, MONDO:0011891, OMIM 607681.

Submission:

Labcorp Genetics (formerly Invitae), Labcorp
Classification: Uncertain significance for Febrile seizures, familial, 8; EPILEPSY, CHILDHOOD ABSENCE, SUSCEPTIBILITY TO, 2. Last evaluated: 2023-11-13. Review status: criteria provided, single submitter. Criteria: Invitae Variant Classification Sherloc (09022015). Collection method: clinical testing. Allele origin: germline.
Comment: This sequence change replaces aspartic acid, which is acidic and polar, with tyrosine, which is neutral and polar, at codon 231 of the GABRG2 protein (p.Asp231Tyr). This variant is not present in population databases (gnomAD no frequency). This variant has not been reported in the literature in individuals affected with GABRG2-related conditions. Advanced modeling of protein sequence and biophysical properties (such as structural, functional, and spatial information, amino acid conservation, physicochemical variation, residue mobility, and thermodynamic stability) performed at Invitae indicates that this missense variant is expected to disrupt GABRG2 protein function with a positive predictive value of 95%. In summary, the available evidence is currently insufficient to determine the role of this variant in disease. Therefore, it has been classified as a Variant of Uncertain Significance.